The following is an entry in ClinVar:

NM_001378452.1(ITPR1):c.6147C>T (p.Thr2049=)

Gene: ITPR1 (inositol 1,4,5-trisphosphate receptor type 1; plus strand). Cytogenetic location: 3p26.1.
Variant type: single nucleotide variant.
Coding change: c.6147C>T on transcript NM_001378452.1 (MANE Select); coding-DNA position 6147, C replaced by T.
Protein change: p.Thr2049=; no amino-acid change (threonine 2049 retained).
Molecular consequence: synonymous variant.
Genome position (GRCh38, 1-based): chr3:4,775,409, C>T. VCF-style: chr3-4775409-C-T. GRCh37 (hg19) VCF-style: chr3-4817093-C-T.
Other names: c.6003C>T, p.Thr2001= (NM_001099952.4); c.6102C>T, p.Thr2034= (NM_001168272.2); c.5958C>T, p.Thr1986= (NM_002222.7).
Identifiers: ClinVar variation 748439 (VCV000748439.12), dbSNP rs144178989, ClinGen allele CA2232512.

ClinVar aggregate classification (germline): Benign/Likely benign. Review status: criteria provided, multiple submitters, no conflicts (2 of 4 stars). 4 submissions from 4 submitters: Benign (1); Likely benign (2). 1 of the submissions does not count toward it. Last evaluated 2026-01-27.

Conditions:
ITPR1-related disorder. Also called: ITPR1-related condition.

Allele frequency attached by ClinVar (database versions not stated): gnomAD exomes 0.00008; ExAC 0.00011; gnomAD 0.00025 and 0.00029; TOPMed 0.00027; ESP Exome Variant Server 0.00034; 1000 Genomes Project 30x 0.00062; 1000 Genomes Project 0.00080.
gnomAD v4.1: 105 of 1,613,678 alleles (0.0065%); highest among the groups gnomAD compares: African/African-American, 0.077%; no homozygotes.

Submissions (4):

Labcorp Genetics (formerly Invitae), Labcorp
Classification: Likely benign. Last evaluated: 2026-01-27. Review status: criteria provided, single submitter. Criteria: Invitae Variant Classification Sherloc (09022015). Collection method: clinical testing. Allele origin: germline.

Blueprint Genetics
Classification: Likely benign. Last evaluated: 2023-09-25. Review status: criteria provided, single submitter. Criteria: ACMG Guidelines, 2015. Collection method: clinical testing. Allele origin: germline.

Athena Diagnostics
Classification: Benign. Last evaluated: 2018-12-05. Review status: criteria provided, single submitter. Criteria: Athena Diagnostics Criteria. Collection method: clinical testing. Allele origin: germline.

PreventionGenetics, part of Exact Sciences
Classification: Likely benign for ITPR1-related condition. Last evaluated: 2024-08-07. Review status: no assertion criteria provided. Collection method: clinical testing. Allele origin: germline. Not counted in ClinVar's aggregate classification.
Comment: This variant is classified as likely benign based on ACMG/AMP sequence variant interpretation guidelines (Richards et al. 2015 PMID: 25741868, with internal and published modifications).